The following is an entry in ClinVar:

ClinVar aggregate classification (germline): Uncertain significance (1 of 4 stars; one submission).

Conditions:
Mitochondrial complex II deficiency, nuclear type 1. Also called: SUCCINATE CoQ REDUCTASE DEFICIENCY. Identifiers: Orphanet 3208, MedGen C5700310, MONDO:0100294, OMIM 252011.
Pheochromocytoma/paraganglioma syndrome 5. Also called: Paragangliomas 5; SDHA-Related Hereditary Paraganglioma-Pheochromocytoma Syndrome. Identifiers: Orphanet 29072, MedGen C3279992, MONDO:0013602, OMIM 614165.

Allele frequency attached by ClinVar (database versions not stated): gnomAD exomes below 0.00001; ExAC 0.00001.
gnomAD v4.1: 1 of 1,613,812 alleles (0.000062%); highest among the groups gnomAD compares: Non-Finnish European, 0.000085%; no homozygotes.

Submissions (2):

Labcorp Genetics (formerly Invitae), Labcorp
Classification: Uncertain significance for Pheochromocytoma/paraganglioma syndrome 5; Mitochondrial complex II deficiency, nuclear type 1. Last evaluated: 2025-11-05. Review status: criteria provided, single submitter. Criteria: Invitae Variant Classification Sherloc (09022015). Collection method: clinical testing. Allele origin: germline.
Comment: This sequence change falls in intron 8 of the SDHA gene. It does not directly change the encoded amino acid sequence of the SDHA protein. It affects a nucleotide within the consensus splice site. This variant is present in population databases (rs769785624, gnomAD 0.0009%). This variant has not been reported in the literature in individuals affected with SDHA-related conditions. ClinVar contains an entry for this variant (Variation ID: 2922091). Variants that disrupt the consensus splice site are a relatively common cause of aberrant splicing (PMID: 17576681, 9536098). Algorithms developed to predict the effect of sequence changes on RNA splicing suggest that this variant is not likely to affect RNA splicing. In summary, the available evidence is currently insufficient to determine the role of this variant in disease. Therefore, it has been classified as a Variant of Uncertain Significance.

Dr. Peter K. Rogan Lab, Western University
No classification provided (evidence only). Condition: Gastric cancer. Review status: no classification provided. Collection method: in vitro. Allele origin: not applicable. Functional consequence: retained intron. Not counted in ClinVar's aggregate classification.

Literature cited by the submitters: PubMed 17576681 (cited by Labcorp Genetics (formerly Invitae), Labcorp); PubMed 9536098 (cited by Labcorp Genetics (formerly Invitae), Labcorp).

NM_004168.4(SDHA):c.1064+6T>C

Gene: SDHA (succinate dehydrogenase complex flavoprotein subunit A; plus strand). Cytogenetic location: 5p15.33.
Variant type: single nucleotide variant.
Coding change: c.1064+6T>C on transcript NM_004168.4 (MANE Select); 6 bases into the intron after coding-DNA position 1064, T replaced by C.
Molecular consequence: intron variant.
Genome position (GRCh38, 1-based): chr5:233,651, T>C. VCF-style: chr5-233651-T-C. GRCh37 (hg19) VCF-style: chr5-233766-T-C.
Other names: c.1064+6T>C (NM_001330758.2); c.920+6T>C (NM_001294332.2).
Identifiers: ClinVar variation 2922091 (VCV002922091.4), dbSNP rs769785624, ClinGen allele CA3173079.